The following is an entry in ClinVar:

ClinVar aggregate classification (germline): Uncertain significance (1 of 4 stars; one submission).

Allele frequency attached by ClinVar (database versions not stated): gnomAD exomes below 0.00001.
gnomAD v4.1: 2 of 1,614,098 alleles (0.00012%); highest among the groups gnomAD compares: African/African-American, 0.0027%; no homozygotes.

Submission:

Labcorp Genetics (formerly Invitae), Labcorp
Classification: Uncertain significance. Last evaluated: 2022-01-06. Review status: criteria provided, single submitter. Criteria: Invitae Variant Classification Sherloc (09022015). Collection method: clinical testing. Allele origin: germline.
Comment: This sequence change falls in intron 2 of the CNGB1 gene. It does not directly change the encoded amino acid sequence of the CNGB1 protein. It affects a nucleotide within the consensus splice site. In summary, the available evidence is currently insufficient to determine the role of this variant in disease. Therefore, it has been classified as a Variant of Uncertain Significance. Variants that disrupt the consensus splice site are a relatively common cause of aberrant splicing (PMID: 17576681, 9536098). Algorithms developed to predict the effect of sequence changes on RNA splicing suggest that this variant is not likely to affect RNA splicing. ClinVar contains an entry for this variant (Variation ID: 1011817). This variant has not been reported in the literature in individuals affected with CNGB1-related conditions. This variant is not present in population databases (gnomAD no frequency).

Literature cited by the submitters: PubMed 17576681; PubMed 9536098.

NM_001297.5(CNGB1):c.159+6A>C

Gene: CNGB1 (cyclic nucleotide gated channel subunit beta 1; minus strand). Cytogenetic location: 16q21.
Variant type: single nucleotide variant.
Coding change: c.159+6A>C on transcript NM_001297.5 (MANE Select); 6 bases into the intron after coding-DNA position 159, A replaced by C.
Molecular consequence: intron variant.
Genome position (GRCh38, 1-based): chr16:57,967,122, T>G on the plus strand (A>C on the coding strand, the complement: CNGB1 is on the minus strand). VCF-style: chr16-57967122-T-G. GRCh37 (hg19) VCF-style: chr16-58001026-T-G.
Other names: c.159+6A>C (NM_001286130.2, NM_001135639.2).
Identifiers: ClinVar variation 1011817 (VCV001011817.8), dbSNP rs1962419015, ClinGen allele CA2224858648.